The following is an entry in ClinVar:

ClinVar aggregate classification (germline): Uncertain significance (1 of 4 stars; one submission).

Conditions:
Noonan syndrome 9 (NS9). Identifiers: Orphanet 648, MedGen C4225282, MONDO:0014691, OMIM 616559.

Submission:

Labcorp Genetics (formerly Invitae), Labcorp
Classification: Uncertain significance for Noonan syndrome 9. Last evaluated: 2023-06-27. Review status: criteria provided, single submitter. Criteria: Invitae Variant Classification Sherloc (09022015). Collection method: clinical testing. Allele origin: germline.
Comment: In summary, the available evidence is currently insufficient to determine the role of this variant in disease. Therefore, it has been classified as a Variant of Uncertain Significance. Advanced modeling of protein sequence and biophysical properties (such as structural, functional, and spatial information, amino acid conservation, physicochemical variation, residue mobility, and thermodynamic stability) performed at Invitae indicates that this missense variant is expected to disrupt SOS2 protein function. This variant has not been reported in the literature in individuals affected with SOS2-related conditions. This variant is not present in population databases (gnomAD no frequency). This sequence change replaces threonine, which is neutral and polar, with isoleucine, which is neutral and non-polar, at codon 268 of the SOS2 protein (p.Thr268Ile).

NM_006939.4(SOS2):c.803C>T (p.Thr268Ile)

Gene: SOS2 (SOS Ras/Rho guanine nucleotide exchange factor 2; minus strand). Cytogenetic location: 14q21.3.
Variant type: single nucleotide variant.
Coding change: c.803C>T on transcript NM_006939.4 (MANE Select); coding-DNA position 803, C replaced by T.
Protein change: p.Thr268Ile; replaces threonine 268 with isoleucine.
Molecular consequence: missense variant.
Genome position (GRCh38, 1-based): chr14:50,182,518, G>A on the plus strand (C>T on the coding strand, the complement: SOS2 is on the minus strand). VCF-style: chr14-50182518-G-A. GRCh37 (hg19) VCF-style: chr14-50649236-G-A.
Other names: c.803C>T, p.Thr268Ile (NM_001411020.1); short protein forms T268I.
Identifiers: ClinVar variation 2731100 (VCV002731100.3), dbSNP rs2503104436, ClinGen allele CA389647709.
Genomic context (GRCh38, chr14:50,182,518, plus strand): 5'-CTTACTTCTGCCAAATCTTCAAAACAGCTGCCAGCTAAGGGATGAGGACTGCTTTCATCA[G>A]TCATTTCAACTGTGTCTTCAATCAAACCTAAAAGTTTCACAGTCAATTCATGTATATCTG-3'
Protein context (NP_008870.2, residues 258-278): LGLIEDTVEM[Thr268Ile]DESSPHPLAG